The following is an entry in ClinVar:

ClinVar aggregate classification (germline): Conflicting classifications of pathogenicity. Review status: criteria provided, conflicting classifications (1 of 4 stars). 6 submissions from 6 submitters: Uncertain significance (2); Likely benign (3). 1 of the submissions does not count toward it. Last evaluated 2024-11-30.

Conditions:
Rubinstein-Taybi syndrome due to CREBBP mutations (RSTS1). Also called: CREBBP-Related Rubinstein-Taybi Syndrome; RUBINSTEIN SYNDROME; BROAD THUMB-HALLUX SYNDROME; Rubinstein-Taybi syndrome 1; BROAD THUMBS AND GREAT TOES, CHARACTERISTIC FACIES, AND IMPAIRED INTELLECTUAL DEVELOPMENT; RUBINSTEIN-TAYBI SYNDROME 1, INCOMPLETE. Identifiers: Orphanet 353277, Orphanet 783, MedGen C4551859, MONDO:0008393, OMIM 180849.
Menke-Hennekam syndrome 1 (MKHK1). Identifiers: MedGen C5193034, MONDO:0020763, OMIM 618332.
CREBBP-related disorder. Also called: CREBBP-related condition; CREBBP-related disorders.
Rubinstein-Taybi syndrome (RSTS). Identifiers: Orphanet 783, MedGen C0035934, MONDO:0019188.

Allele frequency attached by ClinVar (database versions not stated): gnomAD 0.00001 and 0.00002; TOPMed 0.00001; ExAC 0.00002; gnomAD exomes 0.00002.
gnomAD v4.1: 34 of 1,613,742 alleles (0.0021%); highest among the groups gnomAD compares: East Asian, 0.0089%; no homozygotes.

Submissions (6):

Labcorp Genetics (formerly Invitae), Labcorp
Classification: Likely benign for Rubinstein-Taybi syndrome. Last evaluated: 2024-11-30. Review status: criteria provided, single submitter. Criteria: Invitae Variant Classification Sherloc (09022015). Collection method: clinical testing. Allele origin: germline.

Blueprint Genetics
Classification: Likely benign. Last evaluated: 2024-09-03. Review status: criteria provided, single submitter. Criteria: ACMG Guidelines, 2015. Collection method: clinical testing. Allele origin: germline.

CeGaT Center for Human Genetics Tuebingen
Classification: Likely benign. Last evaluated: 2023-11-01. Review status: criteria provided, single submitter. Criteria: CeGaT Center For Human Genetics Tuebingen Variant Classification Criteria Version 2. Collection method: clinical testing. Allele origin: germline. Affected: yes. Observed: 1 variant allele.
Comment: CREBBP: BP4, BS2

Fulgent Genetics
Classification: Uncertain significance for Rubinstein-Taybi syndrome due to CREBBP mutations; Menke-Hennekam syndrome 1. Last evaluated: 2022-03-05. Review status: criteria provided, single submitter. Criteria: ACMG Guidelines, 2015. Collection method: clinical testing. Allele origin: unknown.

Genetic Services Laboratory, University of Chicago
Classification: Uncertain significance for Rubinstein-Taybi syndrome. Last evaluated: 2013-02-08. Review status: criteria provided, single submitter. Criteria: ACMG Guidelines, 2007. Collection method: clinical testing. Allele origin: germline. Inheritance: Autosomal dominant inheritance.

PreventionGenetics, part of Exact Sciences
Classification: Likely benign for CREBBP-related condition. Last evaluated: 2024-07-26. Review status: no assertion criteria provided. Collection method: clinical testing. Allele origin: germline. Not counted in ClinVar's aggregate classification.
Comment: This variant is classified as likely benign based on ACMG/AMP sequence variant interpretation guidelines (Richards et al. 2015 PMID: 25741868, with internal and published modifications).

NM_004380.3(CREBBP):c.6449C>T (p.Pro2150Leu)

Gene: CREBBP (CREB binding lysine acetyltransferase; minus strand). Cytogenetic location: 16p13.3.
Variant type: single nucleotide variant.
Coding change: c.6449C>T on transcript NM_004380.3 (MANE Select); coding-DNA position 6449, C replaced by T.
Protein change: p.Pro2150Leu; replaces proline 2150 with leucine.
Molecular consequence: missense variant.
Genome position (GRCh38, 1-based): chr16:3,728,598, G>A on the plus strand (C>T on the coding strand, the complement: CREBBP is on the minus strand). VCF-style: chr16-3728598-G-A. GRCh37 (hg19) VCF-style: chr16-3778599-G-A.
Other names: c.6335C>T, p.Pro2112Leu (NM_001079846.1); short protein forms P2150L, P2112L.
Identifiers: ClinVar variation 158397 (VCV000158397.35), dbSNP rs587783512, ClinGen allele CA271440.
Genomic context (GRCh38, chr16:3,728,598, plus strand): 5'-GCCTGGCCCTGGGGGTTCAGGCCTCCCATCGCCTGCTGCTGTGGAGGCACACCGGGCCGC[G>A]GCACGCCAGCCTGCATGGCATTCAGGTTCTGCAGGCTGGGCTGCTGGTGCATGCCAGGCT-3'
Protein context (NP_004371.2, residues 2140-2160): QNLNAMQAGV[Pro2150Leu]RPGVPPQQQA